The following is an entry in ClinVar:

NM_001368894.2(PAX6):c.416G>C (p.Arg139Thr)

Gene: PAX6 (paired box 6; minus strand). Cytogenetic location: 11p13.
Variant type: single nucleotide variant.
Coding change: c.416G>C on transcript NM_001368894.2 (MANE Select); coding-DNA position 416, G replaced by C.
Protein change: p.Arg139Thr; replaces arginine 139 with threonine.
Molecular consequence: missense variant. On other transcripts: 5 prime UTR variant (14), non-coding transcript variant (2).
Genome position (GRCh38, 1-based): chr11:31,800,840, C>G on the plus strand (G>C on the coding strand, the complement: PAX6 is on the minus strand). VCF-style: chr11-31800840-C-G. GRCh37 (hg19) VCF-style: chr11-31822388-C-G.
Other names: c.374G>C, p.Arg125Thr (NM_000280.6, NM_001127612.3, NM_001258464.2 and 10 more transcripts); c.416G>C, p.Arg139Thr (NM_001258462.3, NM_001258463.2, NM_001310158.2 and 6 more transcripts); c.-35G>C (NM_001310160.2, NM_001310161.3, NM_001368899.2 and 11 more transcripts); c.617G>C, p.Arg206Thr (NM_001368910.2); c.419G>C, p.Arg140Thr (NM_001368911.2); c.491G>C, p.Arg164Thr (NM_001368918.2, NM_001368919.2); c.449G>C, p.Arg150Thr (NM_001368920.2); c.215G>C, p.Arg72Thr (NM_001368921.2, NM_001368922.2, NM_001368923.2 and 4 more transcripts); and 1 more; short protein forms R139T, R206T, R140T, R150T, R125T, R164T, R58T, R72T.
Identifiers: ClinVar variation 1993363 (VCV001993363.5), dbSNP rs2496001695, ClinGen allele CA379958384.

ClinVar aggregate classification (germline): Uncertain significance. Review status: criteria provided, multiple submitters, no conflicts (2 of 4 stars). 2 submissions from 2 submitters: Uncertain significance (2). Last evaluated 2023-12-08.

Conditions:
Aniridia 1 (AN1). Identifiers: Orphanet 250923, MedGen C0344542, MONDO:0024507, OMIM 106210.
Irido-corneo-trabecular dysgenesis (ASGD5). Also called: ANTERIOR SEGMENT DYSGENESIS 5. Identifiers: Orphanet 708, MedGen C0344559, MONDO:0011414, OMIM 604229, HP:0000659.

Submissions (2):

Blueprint Genetics
Classification: Uncertain significance. Last evaluated: 2023-12-08. Review status: criteria provided, single submitter. Criteria: ACMG Guidelines, 2015. Collection method: clinical testing. Allele origin: germline.

Labcorp Genetics (formerly Invitae), Labcorp
Classification: Uncertain significance for Aniridia 1; Irido-corneo-trabecular dysgenesis. Last evaluated: 2022-05-23. Review status: criteria provided, single submitter. Criteria: Invitae Variant Classification Sherloc (09022015). Collection method: clinical testing. Allele origin: germline.
Comment: In summary, the available evidence is currently insufficient to determine the role of this variant in disease. Therefore, it has been classified as a Variant of Uncertain Significance. Advanced modeling of protein sequence and biophysical properties (such as structural, functional, and spatial information, amino acid conservation, physicochemical variation, residue mobility, and thermodynamic stability) performed at Invitae indicates that this missense variant is expected to disrupt PAX6 protein function. This variant has not been reported in the literature in individuals affected with PAX6-related conditions. This variant is not present in population databases (gnomAD no frequency). This sequence change replaces arginine, which is basic and polar, with threonine, which is neutral and polar, at codon 125 of the PAX6 protein (p.Arg125Thr).